The following is an entry in ClinVar:

ClinVar aggregate classification (germline): Uncertain significance (1 of 4 stars; one submission).

Conditions:
Short-rib thoracic dysplasia 8 with or without polydactyly (SRTD8). Also called: SHORT-RIB THORACIC DYSPLASIA 8 WITH POLYDACTYLY. Identifiers: Orphanet 93271, MedGen C3809691, MONDO:0014214, OMIM 615503.

Submission:

Labcorp Genetics (formerly Invitae), Labcorp
Classification: Uncertain significance for Short-rib thoracic dysplasia 8 with or without polydactyly. Last evaluated: 2025-12-08. Review status: criteria provided, single submitter. Criteria: Invitae Variant Classification Sherloc (09022015). Collection method: clinical testing. Allele origin: germline.
Comment: This variant, c.1937_1939del, results in the deletion of 1 amino acid(s) of the WDR60 protein (p.Ser646del), but otherwise preserves the integrity of the reading frame. This variant is present in population databases (rs774798770, gnomAD 0.004%). This variant has not been reported in the literature in individuals affected with WDR60-related conditions. Experimental studies and prediction algorithms are not available or were not evaluated, and the functional significance of this variant is currently unknown. In summary, the available evidence is currently insufficient to determine the role of this variant in disease. Therefore, it has been classified as a Variant of Uncertain Significance.

NM_018051.5(DYNC2I1):c.1934CCT[1] (p.Ser646del)

Gene: DYNC2I1 (dynein 2 intermediate chain 1; plus strand). Cytogenetic location: 7q36.3.
Variant type: Microsatellite.
Coding change: c.1934CCT[1] on transcript NM_018051.5 (MANE Select); one copy of the 3-base unit CCT starting at c.1934; the reference has two copies in a row; one copy, 3 bases deleted.
Protein change: p.Ser646del; deletes serine 646.
Molecular consequence: inframe deletion.
Genome position (GRCh38, 1-based): chr7:158,922,392-158,922,394, CCT deleted; deleting any 3 consecutive bases within chr7:158,922,388-158,922,394 gives the same sequence; the position shown is the placement nearest the transcript's 3' end. VCF-style (leftmost placement, unchanged base first): chr7-158922387-ATCC-A. GRCh37 (hg19) VCF-style: chr7-158715078-ATCC-A.
Other names: c.1796CCT[1], p.Ser600del (NM_001350914.2); c.1361CCT[1], p.Ser455del (NM_001350915.2); c.473CCT[1], p.Ser159del (NM_001350916.2); c.686CCT[1], p.Ser230del (NM_001350917.2, NM_001350918.2); short protein forms S159del, S230del, S455del, S600del, S646del.
Identifiers: ClinVar variation 1680699 (VCV001680699.6), dbSNP rs774798770, ClinGen allele CA4594825.
Genomic context (GRCh38, chr7:158,922,387, plus strand): 5'-TTGGATTCTGGCAGGTCGTTGAAATGTGAACATATTTTTCTTCTCCCTAGATCGAAAAGT[ATCC>A]TCCTTGCACACCTCCCGAGTTCAGAGGCAGATGGTGGTCTCCGTTCACGACTTACCCGAG-3'